The following is an entry in ClinVar:

NM_006506.5(RASA2):c.25G>T (p.Ala9Ser)

Genes: RASA2 (RAS p21 protein activator 2; plus strand), LOC129937686 (ATAC-STARR-seq lymphoblastoid silent region 14777; plus strand). Cytogenetic location: 3q23.
Variant type: single nucleotide variant.
Coding change: c.25G>T on transcript NM_006506.5 (MANE Select); coding-DNA position 25, G replaced by T.
Protein change: p.Ala9Ser; replaces alanine 9 with serine.
Molecular consequence: missense variant.
Genome position (GRCh38, 1-based): chr3:141,487,108, G>T. VCF-style: chr3-141487108-G-T. GRCh37 (hg19) VCF-style: chr3-141205950-G-T.
Other names: c.25G>T, p.Ala9Ser (NM_001303245.3, NM_001303246.3); short protein forms A9S.
Identifiers: ClinVar variation 1793656 (VCV001793656.2), dbSNP rs2478324951, ClinGen allele CA354773511.
Genomic context (GRCh38, chr3:141,487,108, plus strand): 5'-CAGGCGGCAGGGCTGCGGCACGGGCCGGGCGGCACCATGGCGGCGGCGGCGCCTGCTGCT[G>T]CGGCGGCTTCTTCCGAGGCGCCAGCGGCGAGTGCGACTGCAGAGCCCGAGGCCGGGGACC-3'
Protein context (NP_006497.2, residues 1-19): MAAAAPAA[Ala9Ser]AASSEAPAAS

ClinVar aggregate classification (germline): Uncertain significance (1 of 4 stars; one submission).

Submission:

Ambry Genetics
Classification: Uncertain significance. Last evaluated: 2021-09-15. Review status: criteria provided, single submitter. Criteria: Ambry Variant Classification Scheme 2023. Collection method: clinical testing. Allele origin: germline.
Comment: The p.A9S variant (also known as c.25G>T), located in coding exon 1 of the RASA2 gene, results from a G to T substitution at nucleotide position 25. The alanine at codon 9 is replaced by serine, an amino acid with similar properties. This amino acid position is conserved. In addition, this alteration is predicted to be tolerated by in silico analysis. Since supporting evidence is limited at this time, the clinical significance of this alteration remains unclear.